The following is an entry in ClinVar:

NM_024496.4(IRF2BPL):c.544AGC[2] (p.Ser184del)

Gene: IRF2BPL (interferon regulatory factor 2 binding protein like; minus strand). Cytogenetic location: 14q24.3.
Variant type: Microsatellite.
Coding change: c.544AGC[2] on transcript NM_024496.4 (MANE Select); two copies in a row of the 3-base unit AGC starting at c.544; the reference has three copies in a row; one copy, 3 bases deleted.
Protein change: p.Ser184del; deletes serine 184.
Molecular consequence: inframe deletion.
Genome position (GRCh38, 1-based): chr14:77,027,241-77,027,243, GCT deleted on the plus strand (AGC on the coding strand, the reverse complement: IRF2BPL is on the minus strand); deleting any 3 consecutive bases within chr14:77,027,241-77,027,249 gives the same sequence; the position shown is the placement nearest the transcript's 3' end. VCF-style (leftmost placement, unchanged base first): chr14-77027240-GGCT-G. GRCh37 (hg19) VCF-style: chr14-77493583-GGCT-G.
Other names: short protein forms S184del.
Identifiers: ClinVar variation 1707747 (VCV001707747.2), dbSNP rs1356971218, ClinGen allele CA615491041.
Genomic context (GRCh38, chr14:77,027,240, plus strand): 5'-CTGGTGTTGGTTTGGGGAAGCCGTTTGGGCCCCCCAGGCCGTTGGGCAGTCGCGCGGTGT[GGCT>G]GCTGCTTCCCAGGCTCACCGGCGGTGGCGGGTACTCGAAGCGGCTGCGCTGTTCCACCGC-3'

ClinVar aggregate classification (germline): Uncertain significance (1 of 4 stars; one submission).

Submission:

GeneDx
Classification: Uncertain significance. Last evaluated: 2022-03-25. Review status: criteria provided, single submitter. Criteria: GeneDx Variant Classification Process June 2021. Collection method: clinical testing. Allele origin: germline. Affected: yes.
Comment: Not observed at significant frequency in large population cohorts (gnomAD); In-frame deletion of 1 amino acid in a non-repeat region; In silico analysis supports that this variant does not alter protein structure/function; Has not been previously published as pathogenic or benign to our knowledge